The following is an entry in ClinVar:

ClinVar aggregate classification (germline): Benign/Likely benign. Review status: criteria provided, multiple submitters, no conflicts (2 of 4 stars). 4 submissions from 4 submitters: Benign (1); Likely benign (2). 1 of the submissions does not count toward it. Last evaluated 2026-05-04.

Conditions:
Colorectal cancer, hereditary nonpolyposis, type 7. Identifiers: Orphanet 144, MedGen C1858380, MONDO:0013725, OMIM 614385.
MLH3-related disorder. Also called: MLH3-related condition.

gnomAD v4.1: 9 of 1,613,930 alleles (0.00056%); highest among the groups gnomAD compares: Admixed American, 0.01%; no homozygotes.

Submissions (4):

Myriad Genetics, Inc.
Classification: Benign for Colorectal cancer, hereditary nonpolyposis, type 7. Last evaluated: 2026-05-04. Review status: criteria provided, single submitter. Criteria: Myriad Autosomal Dominant, Autosomal Recessive and X-Linked Classification Criteria (2023). Collection method: clinical testing. Allele origin: unknown.
Comment: This variant is considered benign. This variant is a silent/synonymous amino acid change and it is not expected to impact splicing.

Labcorp Genetics (formerly Invitae), Labcorp
Classification: Likely benign for Colorectal cancer, hereditary nonpolyposis, type 7. Last evaluated: 2025-11-22. Review status: criteria provided, single submitter. Criteria: Invitae Variant Classification Sherloc (09022015). Collection method: clinical testing. Allele origin: germline.

Ambry Genetics
Classification: Likely benign. Last evaluated: 2021-07-02. Review status: criteria provided, single submitter. Criteria: Ambry Variant Classification Scheme 2023. Collection method: clinical testing. Allele origin: germline.

PreventionGenetics, part of Exact Sciences
Classification: Likely benign for MLH3-related condition. Last evaluated: 2023-09-08. Review status: no assertion criteria provided. Collection method: clinical testing. Allele origin: germline. Not counted in ClinVar's aggregate classification.
Comment: This variant is classified as likely benign based on ACMG/AMP sequence variant interpretation guidelines (Richards et al. 2015 PMID: 25741868, with internal and published modifications).

NM_001040108.2(MLH3):c.2220C>A (p.Ile740=)

Gene: MLH3 (mutL homolog 3; minus strand). Cytogenetic location: 14q24.3.
Variant type: single nucleotide variant.
Coding change: c.2220C>A on transcript NM_001040108.2 (MANE Select); coding-DNA position 2220, C replaced by A.
Protein change: p.Ile740=; no amino-acid change (isoleucine 740 retained).
Molecular consequence: synonymous variant.
Genome position (GRCh38, 1-based): chr14:75,047,436, G>T on the plus strand (C>A on the coding strand, the complement: MLH3 is on the minus strand). VCF-style: chr14-75047436-G-T. GRCh37 (hg19) VCF-style: chr14-75514139-G-T.
Other names: c.2220C>A, p.Ile740= (NM_014381.3).
Identifiers: ClinVar variation 1787919 (VCV001787919.8), dbSNP rs751551436, ClinGen allele CA487273272.